The following is an entry in ClinVar:

NM_001848.3(COL6A1):c.2758C>T (p.Leu920=)

Gene: COL6A1 (collagen type VI alpha 1 chain; plus strand). Cytogenetic location: 21q22.3.
Variant type: single nucleotide variant.
Coding change: c.2758C>T on transcript NM_001848.3 (MANE Select); coding-DNA position 2758, C replaced by T.
Protein change: p.Leu920=; no amino-acid change (leucine 920 retained).
Molecular consequence: synonymous variant.
Genome position (GRCh38, 1-based): chr21:46,003,684, C>T. VCF-style: chr21-46003684-C-T. GRCh37 (hg19) VCF-style: chr21-47423598-C-T.
Identifiers: ClinVar variation 285710 (VCV000285710.24), dbSNP rs141620374, ClinGen allele CA10071023.

ClinVar aggregate classification (germline): Benign/Likely benign. Review status: criteria provided, multiple submitters, no conflicts (2 of 4 stars). 5 submissions from 5 submitters: Benign (1); Likely benign (4). Last evaluated 2025-12-20.

Conditions:
Bethlem myopathy 1A. Also called: Bethlem myopathy 1; Bethlem Muscular Dystrophy; MYOPATHY, BENIGN CONGENITAL, WITH CONTRACTURES. Identifiers: Orphanet 610, MedGen CN029274, MONDO:0024530, OMIM 158810.

Allele frequency attached by ClinVar (database versions not stated): 1000 Genomes Project 0.00020; gnomAD exomes 0.00027; ExAC 0.00030; 1000 Genomes Project 30x 0.00031; ESP Exome Variant Server 0.00100; gnomAD 0.00102 and 0.00110; TOPMed 0.00133.
gnomAD v4.1: 315 of 1,613,100 alleles (0.02%); highest among the groups gnomAD compares: African/African-American, 0.36%; 2 homozygotes.

Submissions (5):

Labcorp Genetics (formerly Invitae), Labcorp
Classification: Benign for Bethlem myopathy 1A. Last evaluated: 2025-12-20. Review status: criteria provided, single submitter. Criteria: Invitae Variant Classification Sherloc (09022015). Collection method: clinical testing. Allele origin: germline.

CeGaT Center for Human Genetics Tuebingen
Classification: Likely benign. Last evaluated: 2025-07-01. Review status: criteria provided, single submitter. Criteria: CeGaT Center For Human Genetics Tuebingen Variant Classification Criteria Version 2. Collection method: clinical testing. Allele origin: germline. Affected: yes. Observed: 1 variant allele.
Comment: COL6A1: BP4, BP7

Blueprint Genetics
Classification: Likely benign. Last evaluated: 2024-10-09. Review status: criteria provided, single submitter. Criteria: ACMG Guidelines, 2015. Collection method: clinical testing. Allele origin: germline.

GeneDx
Classification: Likely benign. Last evaluated: 2021-04-20. Review status: criteria provided, single submitter. Criteria: GeneDx Variant Classification Process June 2021. Collection method: clinical testing. Allele origin: germline. Affected: yes.

Eurofins Ntd Llc (ga)
Classification: Likely benign. Last evaluated: 2016-12-05. Review status: criteria provided, single submitter. Criteria: EGL Classification Definitions 2015. Collection method: clinical testing. Allele origin: germline. Observed: 5 variant alleles, 5 heterozygotes.